The following is an entry in ClinVar:

ClinVar aggregate classification (germline): Uncertain significance. Review status: criteria provided, multiple submitters, no conflicts (2 of 4 stars). 2 submissions from 2 submitters: Uncertain significance (2). Last evaluated 2026-01-14.

Conditions:
Hereditary diffuse gastric adenocarcinoma (HDGC). Also called: DIFFUSE GASTRIC AND LOBULAR BREAST CANCER SYNDROME. Identifiers: Orphanet 26106, MedGen C1708349, MONDO:0007648, OMIM 137215.
Hereditary cancer-predisposing syndrome. Also called: Neoplastic Syndromes, Hereditary; Hereditary Cancer Syndrome; Tumor predisposition; Hereditary neoplastic syndrome. Identifiers: Orphanet 140162, MedGen C0027672, MeSH D009386, MONDO:0015356.

gnomAD v4.1: 1 of 1,614,154 alleles (0.000062%); highest among the groups gnomAD compares: African/African-American, 0.0013%; no homozygotes.

Submissions (2):

Labcorp Genetics (formerly Invitae), Labcorp
Classification: Uncertain significance for Hereditary diffuse gastric adenocarcinoma. Last evaluated: 2026-01-14. Review status: criteria provided, single submitter. Criteria: Invitae Variant Classification Sherloc (09022015). Collection method: clinical testing. Allele origin: germline.
Comment: This sequence change replaces asparagine, which is neutral and polar, with lysine, which is basic and polar, at codon 240 of the CDH1 protein (p.Asn240Lys). This variant is not present in population databases (gnomAD no frequency). This variant has not been reported in the literature in individuals affected with CDH1-related conditions. ClinVar contains an entry for this variant (Variation ID: 1692801). An algorithm developed to predict the effect of missense changes on protein structure and function outputs the following: PolyPhen-2: "Benign". The lysine amino acid residue is found in multiple mammalian species, which suggests that this missense change does not adversely affect protein function. In summary, the available evidence is currently insufficient to determine the role of this variant in disease. Therefore, it has been classified as a Variant of Uncertain Significance.

Sema4
Classification: Uncertain significance for Hereditary cancer-predisposing syndrome. Last evaluated: 2021-06-11. Review status: criteria provided, single submitter. Criteria: Sema4 Curation Guidelines. Collection method: curation. Allele origin: germline.
Comment: The CDH1 c.720T>A (p.N240K) variant has not been reported in the literature to our knowledge. It was not observed in the large and broad cohorts of the Genome Aggregation Database (PMID: 32461654) and has not been reported in ClinVar. In silico tools suggest the impact of the variant on protein function is benign, though these predictions have not been confirmed by functional studies. The evidence is insufficient to meet ACMG/AMP criteria for classifying the variant as benign or pathogenic. Thus, the clinical significance of this variant is currently uncertain.

NM_004360.5(CDH1):c.720T>A (p.Asn240Lys)

Gene: CDH1 (cadherin 1; plus strand). Cytogenetic location: 16q22.1.
Variant type: single nucleotide variant.
Coding change: c.720T>A on transcript NM_004360.5 (MANE Select); coding-DNA position 720, T replaced by A.
Protein change: p.Asn240Lys; replaces asparagine 240 with lysine.
Molecular consequence: missense variant. On other transcripts: 5 prime UTR variant (2).
Genome position (GRCh38, 1-based): chr16:68,810,229, T>A. VCF-style: chr16-68810229-T-A. GRCh37 (hg19) VCF-style: chr16-68844132-T-A.
Other names: c.720T>A, p.Asn240Lys (NM_001317184.2); c.-896T>A (NM_001317185.2); c.-1100T>A (NM_001317186.2); short protein forms N240K.
Identifiers: ClinVar variation 1692801 (VCV001692801.2), dbSNP rs2152131034, ClinGen allele CA396458464.